The following is an entry in ClinVar:

NM_003051.4(SLC16A1):c.422A>G (p.Lys141Arg)

Gene: SLC16A1 (solute carrier family 16 member 1; minus strand). Cytogenetic location: 1p13.2.
Variant type: single nucleotide variant.
Coding change: c.422A>G on transcript NM_003051.4 (MANE Select); coding-DNA position 422, A replaced by G.
Protein change: p.Lys141Arg; replaces lysine 141 with arginine.
Molecular consequence: missense variant.
Genome position (GRCh38, 1-based): chr1:112,917,984, T>C on the plus strand (A>G on the coding strand, the complement: SLC16A1 is on the minus strand). VCF-style: chr1-112917984-T-C. GRCh37 (hg19) VCF-style: chr1-113460606-T-C.
Other names: c.422A>G, p.Lys141Arg (NM_001166496.2); short protein forms K141R.
Identifiers: ClinVar variation 2184916 (VCV002184916.4), dbSNP rs778256326, ClinGen allele CA1011424.
Genomic context (GRCh38, chr1:112,917,984, plus strand): 5'-AGAGTACAGAGGAACACAGGGCTGCCTGCCATGGCCAGTCCGTTGGCCAATGGTCGCCTC[T>C]TGTAGAAATACTTGCCAATCATGGTCAGAGCTGGATTCAAGTTGAAGGCAAGCCCAAGAC-3'
Protein context (NP_003042.3, residues 131-151): ALTMIGKYFY[Lys141Arg]RRPLANGLAM

ClinVar aggregate classification (germline): Uncertain significance (1 of 4 stars; one submission).

Allele frequency attached by ClinVar (database versions not stated): gnomAD exomes below 0.00001; TOPMed below 0.00001; ExAC 0.00001.
gnomAD v4.1: 1 of 1,593,362 alleles (0.000063%); highest among the groups gnomAD compares: South Asian, 0.0012%; no homozygotes.

Submission:

Labcorp Genetics (formerly Invitae), Labcorp
Classification: Uncertain significance. Last evaluated: 2025-07-09. Review status: criteria provided, single submitter. Criteria: Invitae Variant Classification Sherloc (09022015). Collection method: clinical testing. Allele origin: germline.
Comment: This sequence change replaces lysine, which is basic and polar, with arginine, which is basic and polar, at codon 141 of the SLC16A1 protein (p.Lys141Arg). This variant is present in population databases (rs778256326, gnomAD 0.004%). This variant has not been reported in the literature in individuals affected with SLC16A1-related conditions. ClinVar contains an entry for this variant (Variation ID: 2184916). An algorithm developed to predict the effect of missense changes on protein structure and function (PolyPhen-2) suggests that this variant is likely to be tolerated. In summary, the available evidence is currently insufficient to determine the role of this variant in disease. Therefore, it has been classified as a Variant of Uncertain Significance.